The following is an entry in ClinVar:

NM_001042492.3(NF1):c.7065T>A (p.Ser2355Arg)

Gene: NF1 (neurofibromin 1; plus strand). Cytogenetic location: 17q11.2.
Variant type: single nucleotide variant.
Coding change: c.7065T>A on transcript NM_001042492.3 (MANE Select); coding-DNA position 7065, T replaced by A.
Protein change: p.Ser2355Arg; replaces serine 2355 with arginine.
Molecular consequence: missense variant.
Genome position (GRCh38, 1-based): chr17:31,343,011, T>A. VCF-style: chr17-31343011-T-A. GRCh37 (hg19) VCF-style: chr17-29670029-T-A.
Other names: c.7002T>A, p.Ser2334Arg (NM_000267.4); short protein forms S2334R, S2355R.
Identifiers: ClinVar variation 2167054 (VCV002167054.6), dbSNP rs1567620376, ClinGen allele CA399015505.
Genomic context (GRCh38, chr17:31,343,011, plus strand): 5'-CCTTTAAAGAAAGCTACTGTGTGAACCTCATCAACCATCTCATGATTATCTTTAATAGAG[T>A]CCAGAGGAAGTATTTATGGCAATCCGGAATCCTCTGGAGTGGCACTGCAAGCAAATGGAT-3'
Protein context (NP_001035957.1, residues 2345-2365): LDSLRIFNDK[Ser2355Arg]PEEVFMAIRN

ClinVar aggregate classification (germline): Uncertain significance. Review status: criteria provided, multiple submitters, no conflicts (2 of 4 stars). 2 submissions from 2 submitters: Uncertain significance (2). Last evaluated 2025-11-08.

Conditions:
Neurofibromatosis, type 1 (NF1). Also called: Neurofibromatosis, type I; VON RECKLINGHAUSEN DISEASE; Peripheral type neurofibromatosis; NEUROFIBROMATOSIS, TYPE I, SOMATIC. Identifiers: Orphanet 636, MedGen C0027831, MONDO:0018975, OMIM 162200. Disease mechanism: loss of function.
Cardiovascular phenotype. Identifiers: MedGen CN230736.
Hereditary cancer-predisposing syndrome. Also called: Neoplastic Syndromes, Hereditary; Hereditary neoplastic syndrome; Hereditary Cancer Syndrome; Tumor predisposition. Identifiers: Orphanet 140162, MedGen C0027672, MeSH D009386, MONDO:0015356.

Submissions (2):

Ambry Genetics
Classification: Uncertain significance for Cardiovascular phenotype; Hereditary cancer-predisposing syndrome. Last evaluated: 2025-11-08. Review status: criteria provided, single submitter. Criteria: Ambry Variant Classification Scheme 2023. Collection method: clinical testing. Allele origin: germline.
Comment: The p.S2334R variant (also known as c.7002T>A), located in coding exon 47 of the NF1 gene, results from a T to A substitution at nucleotide position 7002. The serine at codon 2334 is replaced by arginine, an amino acid with dissimilar properties. This amino acid position is highly conserved in available vertebrate species. In addition, the in silico prediction for this alteration is inconclusive. Since supporting evidence is limited at this time, the clinical significance of this alteration remains unclear.

Labcorp Genetics (formerly Invitae), Labcorp
Classification: Uncertain significance for Neurofibromatosis, type 1. Last evaluated: 2025-09-28. Review status: criteria provided, single submitter. Criteria: Invitae Variant Classification Sherloc (09022015). Collection method: clinical testing. Allele origin: germline.
Comment: This sequence change replaces serine, which is neutral and polar, with arginine, which is basic and polar, at codon 2334 of the NF1 protein (p.Ser2334Arg). This variant is not present in population databases (gnomAD no frequency). This variant has not been reported in the literature in individuals affected with NF1-related conditions. ClinVar contains an entry for this variant (Variation ID: 2167054). An algorithm developed to predict the effect of missense changes on protein structure and function (PolyPhen-2) suggests that this variant is likely to be disruptive. In summary, the available evidence is currently insufficient to determine the role of this variant in disease. Therefore, it has been classified as a Variant of Uncertain Significance.